The following is an entry in ClinVar:

NM_006734.4(HIVEP2):c.3806C>T (p.Ala1269Val)

Gene: HIVEP2 (HIVEP zinc finger 2; minus strand). Cytogenetic location: 6q24.2.
Variant type: single nucleotide variant.
Coding change: c.3806C>T on transcript NM_006734.4 (MANE Select); coding-DNA position 3806, C replaced by T.
Protein change: p.Ala1269Val; replaces alanine 1269 with valine.
Molecular consequence: missense variant.
Genome position (GRCh38, 1-based): chr6:142,770,933, G>A on the plus strand (C>T on the coding strand, the complement: HIVEP2 is on the minus strand). VCF-style: chr6-142770933-G-A. GRCh37 (hg19) VCF-style: chr6-143092070-G-A.
Other names: short protein forms A1269V.
Identifiers: ClinVar variation 1718453 (VCV001718453.5), dbSNP rs2482828282, ClinGen allele CA365902723.
Genomic context (GRCh38, chr6:142,770,933, plus strand): 5'-TGTAGCCCTGATGCTCCTGAATAACATGGGTAGGTCTGCTCTTTCGTGTGTGCATACTCA[G>A]CAGGTTTCTTTCCAGTGTGCTCTGCCACATGCTCTAAGGGATAGCTCGAATGGATTTCTG-3'
Protein context (NP_006725.3, residues 1259-1279): HVAEHTGKKP[Ala1269Val]EYAHTKEQTY

ClinVar aggregate classification (germline): Uncertain significance (1 of 4 stars; one submission).

Submission:

Labcorp Genetics (formerly Invitae), Labcorp
Classification: Uncertain significance. Last evaluated: 2022-08-31. Review status: criteria provided, single submitter. Criteria: Invitae Variant Classification Sherloc (09022015). Collection method: clinical testing. Allele origin: germline.
Comment: In summary, the available evidence is currently insufficient to determine the role of this variant in disease. Therefore, it has been classified as a Variant of Uncertain Significance. Algorithms developed to predict the effect of missense changes on protein structure and function output the following: SIFT: "Tolerated"; PolyPhen-2: "Benign"; Align-GVGD: "Class C0". The valine amino acid residue is found in multiple mammalian species, which suggests that this missense change does not adversely affect protein function. This variant has not been reported in the literature in individuals affected with HIVEP2-related conditions. This variant is not present in population databases (gnomAD no frequency). This sequence change replaces alanine, which is neutral and non-polar, with valine, which is neutral and non-polar, at codon 1269 of the HIVEP2 protein (p.Ala1269Val).